The following is an entry in ClinVar:

NM_001242957.3(MAK):c.1051C>T (p.Gln351Ter)

Gene: MAK (male germ cell associated kinase; minus strand). Cytogenetic location: 6p24.2.
Variant type: single nucleotide variant.
Coding change: c.1051C>T on transcript NM_001242957.3 (MANE Select); coding-DNA position 1051, C replaced by T.
Protein change: p.Gln351Ter; replaces glutamine 351 with a stop codon.
Molecular consequence: nonsense. On other transcripts: non-coding transcript variant (2).
Genome position (GRCh38, 1-based): chr6:10,796,090, G>A on the plus strand (C>T on the coding strand, the complement: MAK is on the minus strand). VCF-style: chr6-10796090-G-A. GRCh37 (hg19) VCF-style: chr6-10796323-G-A.
Other names: c.1051C>T, p.Gln351Ter (NM_001242385.2, NM_005906.6); c.949C>T, p.Gln317Ter (NM_001377262.1); short protein forms Q317*, Q351*.
Identifiers: ClinVar variation 2999810 (VCV002999810.5), dbSNP rs778223936, ClinGen allele CA3633569.

ClinVar aggregate classification (germline): Pathogenic/Likely pathogenic. Review status: criteria provided, multiple submitters, no conflicts (2 of 4 stars). 3 submissions from 3 submitters: Pathogenic (2); Likely pathogenic (1). Last evaluated 2025-05-22.

Conditions:
MAK-related disorders.
Retinal dystrophy. Also called: Inherited retinal dystrophy. Identifiers: Orphanet 71862, MedGen C0854723, MeSH D058499, MONDO:0019118, HP:0000556.

Allele frequency attached by ClinVar (database versions not stated): ExAC 0.00001; gnomAD 0.00001; TOPMed 0.00001.
gnomAD v4.1: 14 of 1,614,070 alleles (0.00087%); highest among the groups gnomAD compares: Middle Eastern, 0.033%; no homozygotes.

Submissions (3):

Labcorp Genetics (formerly Invitae), Labcorp
Classification: Pathogenic. Last evaluated: 2025-05-22. Review status: criteria provided, single submitter. Criteria: Invitae Variant Classification Sherloc (09022015). Collection method: clinical testing. Allele origin: germline.
Comment: This sequence change creates a premature translational stop signal (p.Gln351*) in the MAK gene. It is expected to result in an absent or disrupted protein product. Loss-of-function variants in MAK are known to be pathogenic (PMID: 21148103, 21825139, 24938718, 29781741). This variant is present in population databases (rs778223936, gnomAD 0.0009%). This variant has not been reported in the literature in individuals affected with MAK-related conditions. ClinVar contains an entry for this variant (Variation ID: 2999810). For these reasons, this variant has been classified as Pathogenic.

Blueprint Genetics
Classification: Likely pathogenic for MAK-related disorders. Last evaluated: 2024-02-27. Review status: criteria provided, single submitter. Criteria: ACMG Guidelines, 2015. Collection method: clinical testing. Allele origin: germline. Affected: yes. Observed: 3 variant alleles.

Institute of Human Genetics, Univ. Regensburg, Univ. Regensburg
Classification: Pathogenic for Retinal dystrophy. Last evaluated: 2020-01-01. Review status: criteria provided, single submitter. Criteria: ACMG Guidelines, 2015. Collection method: clinical testing. Allele origin: germline. Affected: yes.

Literature cited by the submitters: PubMed 21148103 (cited by Labcorp Genetics (formerly Invitae), Labcorp); PubMed 21825139 (cited by Labcorp Genetics (formerly Invitae), Labcorp); PubMed 24938718 (cited by Labcorp Genetics (formerly Invitae), Labcorp); PubMed 29781741 (cited by Labcorp Genetics (formerly Invitae), Labcorp); PubMed 31964843 (cited by Institute of Human Genetics, Univ. Regensburg, Univ. Regensburg).